The following is an entry in ClinVar:

ClinVar aggregate classification (germline): Conflicting classifications of pathogenicity. Review status: criteria provided, conflicting classifications (1 of 4 stars). 2 submissions from 2 submitters: Uncertain significance (1); Likely benign (1). Last evaluated 2023-03-23.

Conditions:
Hereditary cancer-predisposing syndrome. Also called: Neoplastic Syndromes, Hereditary; Tumor predisposition; Hereditary Cancer Syndrome; Hereditary neoplastic syndrome. Identifiers: Orphanet 140162, MedGen C0027672, MeSH D009386, MONDO:0015356.

Submissions (2):

University of Washington Department of Laboratory Medicine, University of Washington
Classification: Likely benign for Hereditary cancer-predisposing syndrome. Last evaluated: 2023-03-23. Review status: criteria provided, single submitter. Criteria: Dines et al. (Genet Med. 2020). Collection method: curation. Allele origin: germline.
Comment: Missense variant in a coldspot region where missense variants are very unlikely to be pathogenic (PMID:31911673).

BRCA2 exon 11 coldspot. Reclassification based on statistical prior probability.

Ambry Genetics
Classification: Uncertain significance for Hereditary cancer-predisposing syndrome. Last evaluated: 2019-07-29. Review status: criteria provided, single submitter. Criteria: Ambry Variant Classification Scheme 2023. Collection method: clinical testing. Allele origin: germline.
Comment: The p.P740S variant (also known as c.2218C>T), located in coding exon 10 of the BRCA2 gene, results from a C to T substitution at nucleotide position 2218. The proline at codon 740 is replaced by serine, an amino acid with similar properties. This amino acid position is well conserved in available vertebrate species. In addition, this alteration is predicted to be tolerated by in silico analysis. Since supporting evidence is limited at this time, the clinical significance of this alteration remains unclear.

NM_000059.4(BRCA2):c.2218C>T (p.Pro740Ser)

Gene: BRCA2 (BRCA2 DNA repair associated; plus strand). Cytogenetic location: 13q13.1.
Variant type: single nucleotide variant.
Coding change: c.2218C>T on transcript NM_000059.4 (MANE Select); coding-DNA position 2218, C replaced by T.
Protein change: p.Pro740Ser; replaces proline 740 with serine.
Molecular consequence: missense variant.
Genome position (GRCh38, 1-based): chr13:32,336,573, C>T. VCF-style: chr13-32336573-C-T. GRCh37 (hg19) VCF-style: chr13-32910710-C-T.
Other names: c.2218C>T, p.Pro740Ser (NM_001406719.1, NM_001406720.1); short protein forms P740S.
Identifiers: ClinVar variation 1787865 (VCV001787865.4), dbSNP rs2137484346, ClinGen allele CA387770659.